The following is an entry in ClinVar:

ClinVar aggregate classification (germline): Uncertain significance (1 of 4 stars; one submission).

Allele frequency attached by ClinVar (database versions not stated): ExAC 0.00001.
gnomAD v4.1: 6 of 1,613,300 alleles (0.00037%); highest among the groups gnomAD compares: Non-Finnish European, 0.00034%; no homozygotes.

Submission:

Women's Health and Genetics/Laboratory Corporation of America, LabCorp
Classification: Uncertain significance. Last evaluated: 2024-04-03. Review status: criteria provided, single submitter. Criteria: LabCorp Variant Classification Summary - May 2015. Collection method: clinical testing. Allele origin: germline.
Comment: Variant summary: PSEN1 c.118G>A (p.Asp40Asn) results in a conservative amino acid change in the encoded protein sequence. Four of five in-silico tools predict a benign effect of the variant on protein function. The variant allele was found at a frequency of 1.2e-05 in 251340 control chromosomes (gnomAD). The available data on variant occurrences in the general population are insufficient to allow any conclusion about variant significance. c.118G>A has been reported in the literature in an individual affected with restrictive cardiomyopathy (Lu_2018) and at least one individual affected with a neurodegenerative disorder (Acosta-Uribe_2022), without strong evidence suggesting pathogenicity. These reports do not provide unequivocal conclusions about association of the variant with Alzheimer Disease, Type 3. To our knowledge, no experimental evidence demonstrating an impact on protein function has been reported. The following publications have been ascertained in the context of this evaluation (PMID: 35260199, 30165862). No submitters have cited clinical-significance assessments for this variant to ClinVar. Based on the evidence outlined above, the variant was classified as uncertain significance.

Literature cited by the submitters: PubMed 35260199; PubMed 30165862.

NM_000021.4(PSEN1):c.118G>A (p.Asp40Asn)

Gene: PSEN1 (presenilin 1; plus strand). Cytogenetic location: 14q24.2.
Variant type: single nucleotide variant.
Coding change: c.118G>A on transcript NM_000021.4 (MANE Select); coding-DNA position 118, G replaced by A.
Protein change: p.Asp40Asn; replaces aspartic acid 40 with asparagine.
Molecular consequence: missense variant.
Genome position (GRCh38, 1-based): chr14:73,170,827, G>A. VCF-style: chr14-73170827-G-A. GRCh37 (hg19) VCF-style: chr14-73637535-G-A.
Other names: c.106G>A, p.Asp36Asn (NM_007318.3); short protein forms D36N, D40N.
Identifiers: ClinVar variation 3251561 (VCV003251561.1), dbSNP rs775543665.
Genomic context (GRCh38, chr14:73,170,827, plus strand): 5'-TTACTGAAAATGTTTTTCTTGTGCTTATAGAATGACAATAGAGAACGGCAGGAGCACAAC[G>A]ACAGACGGAGCCTTGGCCACCCTGAGCCATTATCTAATGGACGACCCCAGGGTAACTCCC-3'
Protein context (NP_000012.1, residues 30-50): NDNRERQEHN[Asp40Asn]RRSLGHPEPL